The following is an entry in ClinVar:

NM_001323289.2(CDKL5):c.409A>G (p.Lys137Glu)

Gene: CDKL5 (cyclin dependent kinase like 5; plus strand). Cytogenetic location: Xp22.13.
Variant type: single nucleotide variant.
Coding change: c.409A>G on transcript NM_001323289.2 (MANE Select); coding-DNA position 409, A replaced by G.
Protein change: p.Lys137Glu; replaces lysine 137 with glutamic acid.
Molecular consequence: missense variant.
Genome position (GRCh38, 1-based): chrX:18,581,896, A>G. VCF-style: chrX-18581896-A-G. GRCh37 (hg19) VCF-style: chrX-18600016-A-G.
Other names: c.409A>G, p.Lys137Glu (NM_001037343.2, NM_003159.3); short protein forms K137E.
Identifiers: ClinVar variation 560968 (VCV000560968.2), dbSNP rs1569214324, ClinGen allele CA412350736.

ClinVar aggregate classification (germline): Uncertain significance (1 of 4 stars; one submission).

Conditions:
Developmental and epileptic encephalopathy, 2 (DEE2). Also called: INFANTILE SPASM SYNDROME, X-LINKED 2; CDKL5 deficiency disorder. Identifiers: Orphanet 1934, Orphanet 3451, Orphanet 505652, MedGen C4750718, MONDO:0010396, OMIM 300672.

Submission:

Baylor Genetics
Classification: Uncertain significance for Developmental and epileptic encephalopathy, 2. Last evaluated: 2017-09-01. Review status: criteria provided, single submitter. Criteria: ACMG Guidelines, 2015. Collection method: clinical testing. Allele origin: de novo. Inheritance: X-linked inheritance. Affected: yes.

Literature cited by the submitters: PubMed 25326635.